The following is an entry in ClinVar:

NM_004360.5(CDH1):c.34C>T (p.Leu12=)

Gene: CDH1 (cadherin 1; plus strand). Cytogenetic location: 16q22.1.
Variant type: single nucleotide variant.
Coding change: c.34C>T on transcript NM_004360.5 (MANE Select); coding-DNA position 34, C replaced by T.
Protein change: p.Leu12=; no amino-acid change (leucine 12 retained).
Molecular consequence: synonymous variant. On other transcripts: 5 prime UTR variant (2).
Genome position (GRCh38, 1-based): chr16:68,737,449, C>T. VCF-style: chr16-68737449-C-T. GRCh37 (hg19) VCF-style: chr16-68771352-C-T.
Other names: c.34C>T (LRG_301t1); c.34C>T, p.Leu12= (NM_001317184.2); c.-1582C>T (NM_001317185.2); c.-1786C>T (NM_001317186.2).
Identifiers: ClinVar variation 414047 (VCV000414047.25), dbSNP rs781696878, ClinGen allele CA8129774.

ClinVar aggregate classification (germline): Benign/Likely benign. Review status: criteria provided, multiple submitters, no conflicts (2 of 4 stars). 4 submissions from 4 submitters: Benign (1); Likely benign (3). Last evaluated 2025-10-04.

Conditions:
Hereditary cancer-predisposing syndrome. Also called: Tumor predisposition; Neoplastic Syndromes, Hereditary; Hereditary Cancer Syndrome; Hereditary neoplastic syndrome. Identifiers: Orphanet 140162, MedGen C0027672, MeSH D009386, MONDO:0015356.
Hereditary diffuse gastric adenocarcinoma (HDGC). Also called: DIFFUSE GASTRIC AND LOBULAR BREAST CANCER SYNDROME. Identifiers: Orphanet 26106, MedGen C1708349, MONDO:0007648, OMIM 137215.

Allele frequency attached by ClinVar (database versions not stated): ExAC below 0.00001; gnomAD exomes 0.00001.
gnomAD v4.1: 8 of 1,535,908 alleles (0.00052%); highest among the groups gnomAD compares: South Asian, 0.0024%; no homozygotes.

Submissions (4):

Labcorp Genetics (formerly Invitae), Labcorp
Classification: Likely benign for Hereditary diffuse gastric adenocarcinoma. Last evaluated: 2025-10-04. Review status: criteria provided, single submitter. Criteria: Invitae Variant Classification Sherloc (09022015). Collection method: clinical testing. Allele origin: germline.

Myriad Genetics, Inc.
Classification: Benign for Hereditary diffuse gastric adenocarcinoma. Last evaluated: 2024-09-10. Review status: criteria provided, single submitter. Criteria: Myriad Autosomal Dominant, Autosomal Recessive and X-Linked Classification Criteria (2023). Collection method: clinical testing. Allele origin: unknown.
Comment: This variant is considered benign. This variant is a silent/synonymous amino acid change and it is not expected to impact splicing.

Ambry Genetics
Classification: Likely benign for Hereditary cancer-predisposing syndrome. Last evaluated: 2020-08-20. Review status: criteria provided, single submitter. Criteria: Ambry Variant Classification Scheme 2023. Collection method: clinical testing. Allele origin: germline.

Color Diagnostics, LLC DBA Color Health
Classification: Likely benign for Hereditary cancer-predisposing syndrome. Last evaluated: 2018-11-30. Review status: criteria provided, single submitter. Criteria: ACMG Guidelines, 2015. Collection method: clinical testing. Allele origin: germline.